The following is an entry in ClinVar:

NM_022101.4(STEEP1):c.163C>T (p.Arg55Trp)

Gene: STEEP1 (STING1 ER exit protein 1; minus strand). Cytogenetic location: Xq24.
Variant type: single nucleotide variant.
Coding change: c.163C>T on transcript NM_022101.4 (MANE Select); coding-DNA position 163, C replaced by T.
Protein change: p.Arg55Trp; replaces arginine 55 with tryptophan.
Molecular consequence: missense variant.
Genome position (GRCh38, 1-based): chrX:119,560,347, G>A on the plus strand (C>T on the coding strand, the complement: STEEP1 is on the minus strand). VCF-style: chrX-119560347-G-A. GRCh37 (hg19) VCF-style: chrX-118694310-G-A.
Other names: c.16C>T, p.Arg6Trp (NM_001170569.1); c.163C>T, p.Arg55Trp (NM_001170570.2); short protein forms R55W, R6W.
Identifiers: ClinVar variation 4821751 (VCV004821751.4).

ClinVar aggregate classification (germline): Likely benign (1 of 4 stars; one submission).

Submission:

CeGaT Center for Human Genetics Tuebingen
Classification: Likely benign. Last evaluated: 2025-12-01. Review status: criteria provided, single submitter. Criteria: CeGaT Center For Human Genetics Tuebingen Variant Classification Criteria Version 2. Collection method: clinical testing. Allele origin: germline. Affected: yes. Observed: 1 variant allele.
Comment: STEEP1: BP4, BS2